The following is an entry in ClinVar:

ClinVar aggregate classification (germline): Uncertain significance (1 of 4 stars; one submission).

Conditions:
Hereditary cancer-predisposing syndrome. Also called: Neoplastic Syndromes, Hereditary; Tumor predisposition; Hereditary Cancer Syndrome; Hereditary neoplastic syndrome. Identifiers: Orphanet 140162, MedGen C0027672, MeSH D009386, MONDO:0015356.

gnomAD v4.1: 2 of 1,613,946 alleles (0.00012%); highest among the groups gnomAD compares: Non-Finnish European, 0.00017%; no homozygotes.

Submission:

Ambry Genetics
Classification: Uncertain significance for Hereditary cancer-predisposing syndrome. Last evaluated: 2025-10-14. Review status: criteria provided, single submitter. Criteria: Ambry Variant Classification Scheme 2023. Collection method: clinical testing. Allele origin: germline.
Comment: The p.I630V variant (also known as c.1888A>G), located in coding exon 10 of the ALK gene, results from an A to G substitution at nucleotide position 1888. The isoleucine at codon 630 is replaced by valine, an amino acid with highly similar properties. This amino acid position is conserved. In addition, this alteration is predicted to be tolerated by in silico analysis. Based on the available evidence, the clinical significance of this variant remains unclear.

NM_004304.5(ALK):c.1888A>G (p.Ile630Val)

Gene: ALK (ALK receptor tyrosine kinase; minus strand). Cytogenetic location: 2p23.2.
Variant type: single nucleotide variant.
Coding change: c.1888A>G on transcript NM_004304.5 (MANE Select); coding-DNA position 1888, A replaced by G.
Protein change: p.Ile630Val; replaces isoleucine 630 with valine.
Molecular consequence: missense variant.
Genome position (GRCh38, 1-based): chr2:29,275,426, T>C on the plus strand (A>G on the coding strand, the complement: ALK is on the minus strand). VCF-style: chr2-29275426-T-C. GRCh37 (hg19) VCF-style: chr2-29498292-T-C.
Other names: short protein forms I630V.
Identifiers: ClinVar variation 4675371 (VCV004675371.1).
Genomic context (GRCh38, chr2:29,275,426, plus strand): 5'-TTGGGGGACAGAGTGCTGGGGTCAGAGTGAACTCACTGGTGAGGTAGCAGTCCAGGCTGA[T>C]GGAGATATTGTCAAAAGCCACGATGGCTCTGGATCCTTGTCCCCACCATGCGACCATCTG-3'
Protein context (NP_004295.2, residues 620-640): RAIVAFDNIS[Ile630Val]SLDCYLTISG